The following is an entry in ClinVar:

NM_052947.4(ALPK2):c.2050A>G (p.Thr684Ala)

Gene: ALPK2 (alpha kinase 2; minus strand). Cytogenetic location: 18q21.31.
Variant type: single nucleotide variant.
Coding change: c.2050A>G on transcript NM_052947.4 (MANE Select); coding-DNA position 2050, A replaced by G.
Protein change: p.Thr684Ala; replaces threonine 684 with alanine.
Molecular consequence: missense variant.
Genome position (GRCh38, 1-based): chr18:58,538,137, T>C on the plus strand (A>G on the coding strand, the complement: ALPK2 is on the minus strand). VCF-style: chr18-58538137-T-C. GRCh37 (hg19) VCF-style: chr18-56205369-T-C.
Other names: short protein forms T684A.
Identifiers: ClinVar variation 1785062 (VCV001785062.2), dbSNP rs2051666532, ClinGen allele CA402571814.

ClinVar aggregate classification (germline): Uncertain significance (1 of 4 stars; one submission).

Submission:

Ambry Genetics
Classification: Uncertain significance. Last evaluated: 2022-05-28. Review status: criteria provided, single submitter. Criteria: Ambry Variant Classification Scheme 2023. Collection method: clinical testing. Allele origin: germline.
Comment: The p.T684A variant (also known as c.2050A>G), located in coding exon 4 of the ALPK2 gene, results from an A to G substitution at nucleotide position 2050. The threonine at codon 684 is replaced by alanine, an amino acid with similar properties. This amino acid position is conserved. In addition, this alteration is predicted to be tolerated by in silico analysis. Since supporting evidence is limited at this time, the clinical significance of this alteration remains unclear.